The following is an entry in ClinVar:

ClinVar aggregate classification (germline): Uncertain significance (1 of 4 stars; one submission).

Submission:

Labcorp Genetics (formerly Invitae), Labcorp
Classification: Uncertain significance. Last evaluated: 2023-08-04. Review status: criteria provided, single submitter. Criteria: Invitae Variant Classification Sherloc (09022015). Collection method: clinical testing. Allele origin: germline.
Comment: This variant has not been reported in the literature in individuals affected with CAMK2B-related conditions. This sequence change replaces threonine, which is neutral and polar, with arginine, which is basic and polar, at codon 371 of the CAMK2B protein (p.Thr371Arg). This variant is not present in population databases (gnomAD no frequency). ClinVar contains an entry for this variant (Variation ID: 1371353). An algorithm developed to predict the effect of missense changes on protein structure and function (PolyPhen-2) suggests that this variant is likely to be tolerated. In summary, the available evidence is currently insufficient to determine the role of this variant in disease. Therefore, it has been classified as a Variant of Uncertain Significance.

NM_001220.5(CAMK2B):c.1112C>G (p.Thr371Arg)

Gene: CAMK2B (calcium/calmodulin dependent protein kinase II beta; minus strand). Cytogenetic location: 7p13.
Variant type: single nucleotide variant.
Coding change: c.1112C>G on transcript NM_001220.5 (MANE Select); coding-DNA position 1112, C replaced by G.
Protein change: p.Thr371Arg; replaces threonine 371 with arginine.
Molecular consequence: missense variant. On other transcripts: intron variant (3).
Genome position (GRCh38, 1-based): chr7:44,234,409, G>C on the plus strand (C>G on the coding strand, the complement: CAMK2B is on the minus strand). VCF-style: chr7-44234409-G-C. GRCh37 (hg19) VCF-style: chr7-44274008-G-C.
Other names: c.1112C>G, p.Thr371Arg (NM_001293170.2, NM_172078.3); c.1040C>G, p.Thr347Arg (NM_172079.3, NM_172081.3); c.1037C>G, p.Thr346Arg (NM_172080.3); c.946+6298C>G (NM_172084.3); c.987+230C>G (NM_172083.3); c.1059+230C>G (NM_172082.3); short protein forms T371R, T346R, T347R.
Identifiers: ClinVar variation 1371353 (VCV001371353.6), dbSNP rs918980747, ClinGen allele CA367377088.